The following is an entry in ClinVar:

ClinVar aggregate classification (germline): Conflicting classifications of pathogenicity. Review status: criteria provided, conflicting classifications (1 of 4 stars). 5 submissions from 5 submitters: Uncertain significance (3); Likely benign (2). Last evaluated 2026-05-14.

Conditions:
Inborn genetic diseases. Identifiers: MedGen C0950123, MeSH D030342.

Allele frequency attached by ClinVar (database versions not stated): TOPMed 0.00002; gnomAD 0.00003 and 0.00004; gnomAD exomes 0.00006 and 0.00011; ExAC 0.00011.
gnomAD v4.1: 158 of 1,614,060 alleles (0.0098%); highest among the groups gnomAD compares: Non-Finnish European, 0.013%; no homozygotes.

Submissions (5):

Ambry Genetics
Classification: Likely benign for Inborn genetic diseases. Last evaluated: 2026-05-14. Review status: criteria provided, single submitter. Criteria: Ambry Variant Classification Scheme 2023. Collection method: clinical testing. Allele origin: germline.

Labcorp Genetics (formerly Invitae), Labcorp
Classification: Uncertain significance. Last evaluated: 2026-01-07. Review status: criteria provided, single submitter. Criteria: Invitae Variant Classification Sherloc (09022015). Collection method: clinical testing. Allele origin: germline.
Comment: This sequence change replaces glycine, which is neutral and non-polar, with alanine, which is neutral and non-polar, at codon 117 of the COL2A1 protein (p.Gly117Ala). This variant is present in population databases (rs201192882, gnomAD 0.01%). This variant has not been reported in the literature in individuals affected with COL2A1-related conditions. ClinVar contains an entry for this variant (Variation ID: 452081). Invitae Evidence Modeling of protein sequence and biophysical properties (such as structural, functional, and spatial information, amino acid conservation, physicochemical variation, residue mobility, and thermodynamic stability) indicates that this missense variant is expected to disrupt COL2A1 protein function with a positive predictive value of 95%. In summary, the available evidence is currently insufficient to determine the role of this variant in disease. Therefore, it has been classified as a Variant of Uncertain Significance.

Blueprint Genetics
Classification: Likely benign. Last evaluated: 2024-03-04. Review status: criteria provided, single submitter. Criteria: ACMG Guidelines, 2015. Collection method: clinical testing. Allele origin: germline.

GeneDx
Classification: Uncertain significance. Last evaluated: 2023-08-09. Review status: criteria provided, single submitter. Criteria: GeneDx Variant Classification Process June 2021. Collection method: clinical testing. Allele origin: germline. Affected: yes.
Comment: In silico analysis supports that this missense variant does not alter protein structure/function; Not located in the triple helical region,where the majority of pathogenic missense variants occur (HGMD); Has not been previously published as pathogenic or benign to our knowledge

Clinical Genetics Laboratory, Skane University Hospital Lund
Classification: Uncertain significance. Last evaluated: 2022-05-27. Review status: criteria provided, single submitter. Criteria: ACMG Guidelines, 2015. Collection method: clinical testing. Allele origin: germline. Affected: yes.

NM_001844.5(COL2A1):c.350G>C (p.Gly117Ala)

Gene: COL2A1 (collagen type II alpha 1 chain; minus strand). Cytogenetic location: 12q13.11.
Variant type: single nucleotide variant.
Coding change: c.350G>C on transcript NM_001844.5 (MANE Select); coding-DNA position 350, G replaced by C.
Protein change: p.Gly117Ala; replaces glycine 117 with alanine.
Molecular consequence: missense variant.
Genome position (GRCh38, 1-based): chr12:47,998,057, C>G on the plus strand (G>C on the coding strand, the complement: COL2A1 is on the minus strand). VCF-style: chr12-47998057-C-G. GRCh37 (hg19) VCF-style: chr12-48391840-C-G.
Other names: c.143G>C, p.Gly48Ala (NM_033150.3); short protein forms G117A, G48A.
Identifiers: ClinVar variation 452081 (VCV000452081.16), dbSNP rs201192882, ClinGen allele CA6535980.